The following is an entry in ClinVar:

NM_024747.6(HPS6):c.2210A>G (p.Lys737Arg)

Gene: HPS6 (HPS6 biogenesis of lysosomal organelles complex 2 subunit 3; plus strand). Cytogenetic location: 10q24.32.
Variant type: single nucleotide variant.
Coding change: c.2210A>G on transcript NM_024747.6 (MANE Select); coding-DNA position 2210, A replaced by G.
Protein change: p.Lys737Arg; replaces lysine 737 with arginine.
Molecular consequence: missense variant.
Genome position (GRCh38, 1-based): chr10:102,067,684, A>G. VCF-style: chr10-102067684-A-G. GRCh37 (hg19) VCF-style: chr10-103827441-A-G.
Other names: short protein forms K737R.
Identifiers: ClinVar variation 1408125 (VCV001408125.6), dbSNP rs751417436, ClinGen allele CA5660133.

ClinVar aggregate classification (germline): Uncertain significance. Review status: criteria provided, multiple submitters, no conflicts (2 of 4 stars). 2 submissions from 2 submitters: Uncertain significance (2). Last evaluated 2021-09-17.

Allele frequency attached by ClinVar (database versions not stated): gnomAD 0.00001; gnomAD exomes 0.00001 and 0.00002; ExAC 0.00002.

Submissions (2):

Labcorp Genetics (formerly Invitae), Labcorp
Classification: Uncertain significance. Last evaluated: 2021-09-17. Review status: criteria provided, single submitter. Criteria: Invitae Variant Classification Sherloc (09022015). Collection method: clinical testing. Allele origin: germline.
Comment: This sequence change replaces lysine with arginine at codon 737 of the HPS6 protein (p.Lys737Arg). The lysine residue is moderately conserved and there is a small physicochemical difference between lysine and arginine. This variant is present in population databases (rs751417436, ExAC 0.01%). This variant has not been reported in the literature in individuals affected with HPS6-related conditions. Algorithms developed to predict the effect of missense changes on protein structure and function output the following: SIFT: "Tolerated"; PolyPhen-2: "Benign"; Align-GVGD: "Class C0". The arginine amino acid residue is found in multiple mammalian species, which suggests that this missense change does not adversely affect protein function. In summary, the available evidence is currently insufficient to determine the role of this variant in disease. Therefore, it has been classified as a Variant of Uncertain Significance.

Breakthrough Genomics
Classification: Uncertain significance. Review status: criteria provided, single submitter. Criteria: ACMG Guidelines, 2015. Collection method: not provided. Allele origin: germline. Inheritance: Autosomal recessive inheritance. Affected: yes.